The following is an entry in ClinVar:

ClinVar aggregate classification (germline): Uncertain significance (1 of 4 stars; one submission).

Submission:

GeneDx
Classification: Uncertain significance. Last evaluated: 2024-03-01. Review status: criteria provided, single submitter. Criteria: GeneDx Variant Classification Process June 2021. Collection method: clinical testing. Allele origin: germline. Affected: yes.
Comment: Not observed at significant frequency in large population cohorts (gnomAD); In silico analysis supports that this missense variant has a deleterious effect on protein structure/function; Has not been previously published as pathogenic or benign to our knowledge

NM_022114.4(PRDM16):c.2933C>T (p.Pro978Leu)

Gene: PRDM16 (PR/SET domain 16; plus strand). Cytogenetic location: 1p36.32.
Variant type: single nucleotide variant.
Coding change: c.2933C>T on transcript NM_022114.4 (MANE Select); coding-DNA position 2933, C replaced by T.
Protein change: p.Pro978Leu; replaces proline 978 with leucine.
Molecular consequence: missense variant.
Genome position (GRCh38, 1-based): chr1:3,418,738, C>T. VCF-style: chr1-3418738-C-T. GRCh37 (hg19) VCF-style: chr1-3335302-C-T.
Other names: c.2933C>T, p.Pro978Leu (NM_199454.3); short protein forms P978L.
Identifiers: ClinVar variation 3373472 (VCV003373472.1).